The following is an entry in ClinVar:

ClinVar aggregate classification (germline): Uncertain significance (1 of 4 stars; one submission).

Submission:

ISCA site 4
Classification: Uncertain significance. Last evaluated: 2011-08-12. Review status: criteria provided, single submitter. Criteria: Kaminsky et al. (Genet Med. 2011). Collection method: clinical testing. Allele origin: maternal. Affected: yes. Observed: 1 variant allele.
Comment: Copy number variation identified through the course of routine clinical cytogenomic testing in postnatal populations. Clinical assertions have been curated as described in Kaminsky et al. 2011.

GRCh38/hg38 9p21.3(chr9:21708372-22537070)x3

Genes: CDKN2A (cyclin dependent kinase inhibitor 2A; minus strand), CDKN2A-AS1 (CDKN2A antisense RNA 1; plus strand), CDKN2B (cyclin dependent kinase inhibitor 2B; minus strand), CDKN2B-AS1 (CDKN2B antisense RNA 1; plus strand), DMRTA1 (DMRT like family A1; plus strand) and 25 more. Cytogenetic location: 9p21.3.
Variant type: copy number gain.
Change: copy number 3 (three copies instead of two) of chr9:21,708,372-22,537,070 (828.7 kb, GRCh38 coordinates, 1-based), cytogenetic band 9p21.3.
Identifiers: ClinVar variation 57361 (VCV000057361.1).